The following is an entry in ClinVar:

ClinVar aggregate classification (germline): Conflicting classifications of pathogenicity. Review status: criteria provided, conflicting classifications (1 of 4 stars). 2 submissions from 2 submitters: Uncertain significance (1); Likely benign (1). Last evaluated 2024-11-05.

gnomAD v4.1: 8 of 1,551,356 alleles (0.00052%); highest among the groups gnomAD compares: Non-Finnish European, 0.0007%; no homozygotes.

Submissions (2):

Labcorp Genetics (formerly Invitae), Labcorp
Classification: Uncertain significance. Last evaluated: 2024-11-05. Review status: criteria provided, single submitter. Criteria: Invitae Variant Classification Sherloc (09022015). Collection method: clinical testing. Allele origin: germline.
Comment: This sequence change replaces valine, which is neutral and non-polar, with leucine, which is neutral and non-polar, at codon 651 of the LOXHD1 protein (p.Val651Leu). This variant is present in population databases (no rsID available, gnomAD 0.002%). This variant has not been reported in the literature in individuals affected with LOXHD1-related conditions. ClinVar contains an entry for this variant (Variation ID: 1701340). An algorithm developed to predict the effect of missense changes on protein structure and function (PolyPhen-2) suggests that this variant is likely to be disruptive. In summary, the available evidence is currently insufficient to determine the role of this variant in disease. Therefore, it has been classified as a Variant of Uncertain Significance.

CeGaT Center for Human Genetics Tuebingen
Classification: Likely benign. Last evaluated: 2022-07-01. Review status: criteria provided, single submitter. Criteria: CeGaT Center For Human Genetics Tuebingen Variant Classification Criteria Version 2. Collection method: clinical testing. Allele origin: germline. Affected: yes. Observed: 1 variant allele.
Comment: LOXHD1: BP4

NM_001384474.1(LOXHD1):c.1951G>C (p.Val651Leu)

Gene: LOXHD1 (lipoxygenase homology PLAT domains 1; minus strand). Cytogenetic location: 18q21.1.
Variant type: single nucleotide variant.
Coding change: c.1951G>C on transcript NM_001384474.1 (MANE Select); coding-DNA position 1951, G replaced by C.
Protein change: p.Val651Leu; replaces valine 651 with leucine.
Molecular consequence: missense variant.
Genome position (GRCh38, 1-based): chr18:46,577,726, C>G on the plus strand (G>C on the coding strand, the complement: LOXHD1 is on the minus strand). VCF-style: chr18-46577726-C-G. GRCh37 (hg19) VCF-style: chr18-44157689-C-G.
Other names: c.1951G>C, p.Val651Leu (NM_144612.7); short protein forms V651L.
Identifiers: ClinVar variation 1701340 (VCV001701340.35), dbSNP rs769377709, ClinGen allele CA402377800.